The following is an entry in ClinVar:

NM_001127208.3(TET2):c.2542A>G (p.Thr848Ala)

Genes: TET2 (tet methylcytosine dioxygenase 2; plus strand), TET2-AS1 (TET2 antisense RNA 1; minus strand). Cytogenetic location: 4q24.
Variant type: single nucleotide variant.
Coding change: c.2542A>G on transcript NM_001127208.3 (MANE Select); coding-DNA position 2542, A replaced by G.
Protein change: p.Thr848Ala; replaces threonine 848 with alanine.
Molecular consequence: missense variant.
Genome position (GRCh38, 1-based): chr4:105,236,484, A>G. VCF-style: chr4-105236484-A-G. GRCh37 (hg19) VCF-style: chr4-106157641-A-G.
Other names: c.2542A>G, p.Thr848Ala (NM_017628.4); short protein forms T848A.
Identifiers: ClinVar variation 4183038 (VCV004183038.1).

ClinVar aggregate classification (germline): Uncertain significance (1 of 4 stars; one submission).

Submission:

Ambry Genetics
Classification: Uncertain significance. Last evaluated: 2025-08-28. Review status: criteria provided, single submitter. Criteria: Ambry Variant Classification Scheme 2023. Collection method: clinical testing. Allele origin: germline.
Comment: The p.T848A variant (also known as c.2542A>G), located in coding exon 1 of the TET2 gene, results from an A to G substitution at nucleotide position 2542. The threonine at codon 848 is replaced by alanine, an amino acid with similar properties. This amino acid position is conserved. In addition, this alteration is predicted to be tolerated by in silico analysis. Based on the available evidence, the clinical significance of this variant remains unclear.